The following is an entry in ClinVar:

ClinVar aggregate classification (germline): Uncertain significance. Review status: criteria provided, single submitter (1 of 4 stars). 2 submissions from 2 submitters: Uncertain significance (1). 1 of the submissions does not count toward it. Last evaluated 2025-02-06.

Conditions:
KIDINS220-related disorder. Also called: KIDINS220-related condition.

Allele frequency attached by ClinVar (database versions not stated): gnomAD 0.00001; gnomAD exomes 0.00001; TOPMed 0.00001; ESP Exome Variant Server 0.00008.
gnomAD v4.1: 12 of 1,610,156 alleles (0.00075%); highest among the groups gnomAD compares: Non-Finnish European, 0.00093%; no homozygotes.

Submissions (2):

Labcorp Genetics (formerly Invitae), Labcorp
Classification: Uncertain significance. Last evaluated: 2025-02-06. Review status: criteria provided, single submitter. Criteria: Invitae Variant Classification Sherloc (09022015). Collection method: clinical testing. Allele origin: germline.
Comment: This sequence change replaces glycine, which is neutral and non-polar, with valine, which is neutral and non-polar, at codon 134 of the KIDINS220 protein (p.Gly134Val). This variant is not present in population databases (gnomAD no frequency). This variant has not been reported in the literature in individuals affected with KIDINS220-related conditions. ClinVar contains an entry for this variant (Variation ID: 3058181). An algorithm developed to predict the effect of missense changes on protein structure and function (PolyPhen-2) suggests that this variant is likely to be disruptive. In summary, the available evidence is currently insufficient to determine the role of this variant in disease. Therefore, it has been classified as a Variant of Uncertain Significance.

PreventionGenetics, part of Exact Sciences
Classification: Uncertain significance for KIDINS220-related condition. Last evaluated: 2023-11-21. Review status: no assertion criteria provided. Collection method: clinical testing. Allele origin: germline. Not counted in ClinVar's aggregate classification.
Comment: The KIDINS220 c.401G>T variant is predicted to result in the amino acid substitution p.Gly134Val. To our knowledge, this variant has not been reported in the literature or in a large population database, indicating this variant is rare. At this time, the clinical significance of this variant is uncertain due to the absence of conclusive functional and genetic evidence.

NM_020738.4(KIDINS220):c.401G>T (p.Gly134Val)

Gene: KIDINS220 (kinase D interacting substrate 220; minus strand). Cytogenetic location: 2p25.1.
Variant type: single nucleotide variant.
Coding change: c.401G>T on transcript NM_020738.4 (MANE Select); coding-DNA position 401, G replaced by T.
Protein change: p.Gly134Val; replaces glycine 134 with valine.
Molecular consequence: missense variant. On other transcripts: non-coding transcript variant (2).
Genome position (GRCh38, 1-based): chr2:8,813,241, C>A on the plus strand (G>T on the coding strand, the complement: KIDINS220 is on the minus strand). VCF-style: chr2-8813241-C-A. GRCh37 (hg19) VCF-style: chr2-8953371-C-A.
Other names: c.401G>T, p.Gly134Val (NM_001348729.2, NM_001348731.2, NM_001348732.2 and 9 more transcripts); c.275G>T, p.Gly92Val (NM_001348736.2); short protein forms G134V, G92V.
Identifiers: ClinVar variation 3058181 (VCV003058181.3), dbSNP rs377662475, ClinGen allele CA42360332.